The following is an entry in ClinVar:

ClinVar aggregate classification (germline): Pathogenic. Review status: reviewed by expert panel (3 of 4 stars). 17 submissions from 17 submitters: Pathogenic (1). 16 of the submissions do not count toward it. Last evaluated 2016-09-08.

Conditions:
Glioma susceptibility 3 (GLM3). Also called: Glioblastoma 3. Identifiers: Orphanet 182067, Orphanet 360, MedGen C2751641, MONDO:0013093, OMIM 613029.
Prostate cancer. Also called: Malignant tumor of prostate. Identifiers: Orphanet 1331, MedGen C0376358, MONDO:0008315, HP:0012125.
Breast-ovarian cancer, familial, susceptibility to, 2 (BROVCA2). Also called: BRCA2 Hereditary Breast and Ovarian Cancer. Identifiers: Orphanet 145, MedGen C2675520, MONDO:0012933, OMIM 612555. Disease mechanism: loss of function.
Wilms tumor 1 (WT1). Also called: Wilms tumor, somatic. Identifiers: Orphanet 654, MedGen CN033288, MONDO:0008679, OMIM 194070.
Medulloblastoma (MDB). Also called: MEDULLOBLASTOMA PREDISPOSITION SYNDROME; Medulloblastoma, somatic. Identifiers: Orphanet 616, MedGen C0025149, MeSH D008527, MONDO:0007959, OMIM 155255, HP:0002885.
Fanconi anemia complementation group D1. Also called: BRCA2-Related Fanconi Anemia. Identifiers: Orphanet 319462, MedGen C1838457, MONDO:0011584, OMIM 605724.
Familial cancer of breast. Also called: Hereditary breast cancer; hereditary breast carcinoma; BREAST CANCER, FAMILIAL. Identifiers: Orphanet 227535, MedGen C0346153, MONDO:0016419, OMIM 114480. Disease mechanism: loss of function.
Pancreatic cancer, susceptibility to, 2. Identifiers: Orphanet 1333, MedGen C3150546, MONDO:0013235, OMIM 613347.
Hereditary cancer-predisposing syndrome. Also called: Hereditary neoplastic syndrome; Hereditary Cancer Syndrome; Tumor predisposition; Neoplastic Syndromes, Hereditary. Identifiers: Orphanet 140162, MedGen C0027672, MeSH D009386, MONDO:0015356.
Hereditary breast ovarian cancer syndrome. Also called: Breast and ovarian cancer; Hereditary breast and/or ovarian cancer syndrome; Hereditary breast and ovarian cancer; Hereditary breast and ovarian cancer syndrome; BRCA1- and BRCA2-Associated Hereditary Breast and Ovarian Cancer; Hereditary breast and ovarian cancer syndrome (HBOC). Identifiers: Orphanet 145, MedGen C0677776, MeSH D061325, MONDO:0003582. Disease mechanism: loss of function.

Allele frequency attached by ClinVar (database versions not stated): gnomAD exomes below 0.00001 and 0.00001; ESP Exome Variant Server 0.00008.

Submissions 1 to 9 of 17:

Evidence-based Network for the Interpretation of Germline Mutant Alleles (ENIGMA)
Classification: Pathogenic for Breast-ovarian cancer, familial, susceptibility to, 2. Last evaluated: 2016-09-08. Review status: reviewed by expert panel. Criteria: ENIGMA BRCA1/2 Classification Criteria (2015). Collection method: curation. Allele origin: germline.
Comment: Variant allele predicted to encode a truncated non-functional protein.

Labcorp Genetics (formerly Invitae), Labcorp
Classification: Pathogenic for Hereditary breast ovarian cancer syndrome. Last evaluated: 2026-01-25. Review status: criteria provided, single submitter. Criteria: Invitae Variant Classification Sherloc (09022015). Collection method: clinical testing. Allele origin: germline. Not counted in ClinVar's aggregate classification.
Comment: This sequence change creates a premature translational stop signal (p.Ser1943Leufs*20) in the BRCA2 gene. It is expected to result in an absent or disrupted protein product. Loss-of-function variants in BRCA2 are known to be pathogenic (PMID: 20104584). This variant is present in population databases (rs80359541, gnomAD 0.0009%). This premature translational stop signal has been observed in individual(s) with breast and/or ovarian cancer (PMID: 18703817, 22430266, 26681312). This variant is also known as 6056delC. ClinVar contains an entry for this variant (Variation ID: 37999). For these reasons, this variant has been classified as Pathogenic.

GeneDx
Classification: Pathogenic. Last evaluated: 2026-01-08. Review status: criteria provided, single submitter. Criteria: GeneDx Variant Classification Process June 2021. Collection method: clinical testing. Allele origin: germline. Affected: yes. Not counted in ClinVar's aggregate classification.
Comment: Frameshift variant predicted to result in protein truncation or nonsense mediated decay in a gene for which loss of function is a known mechanism of disease; Truncating variants in this gene are considered pathogenic by a well-established clinical consortium and/or database; Not observed at a significant frequency in large population cohorts (gnomAD); Also known as 6056del; This variant is associated with the following publications: (PMID: 29446198, 30720243, 22430266, 18703817, 26681312, 25256924, 30322717, 30787465, 32719484, 29922827, 28888541, 33850299, 37139596)

Color Diagnostics, LLC DBA Color Health
Classification: Pathogenic for Hereditary cancer-predisposing syndrome. Last evaluated: 2025-06-04. Review status: criteria provided, single submitter. Criteria: ACMG Guidelines, 2015. Collection method: clinical testing. Allele origin: germline. Not counted in ClinVar's aggregate classification.
Comment: This variant deletes 1 nucleotide in exon 11 of the BRCA2 gene, creating a frameshift and premature translation stop signal. This variant is expected to result in an absent or non-functional protein product. To our knowledge, functional studies have not been performed for this variant. This variant has been reported in two individuals affected with breast cancer (PMID: 16912212, 18703817), an individual affected with ovarian cancer (PMID: 30322717) and an individual affected with prostate cancer (PMID: 26681312). This variant has also been observed in 9 families among the CIMBA participants (PMID: 29446198). A multifactorial analysis has reported a likelihood ratio for pathogenicity based on personal and family history of 0.618 from log(LR)=-0.2088 for 9 carriers (PMID: 31853058). This variant has been identified in 2/250822 chromosomes in the general population by the Genome Aggregation Database (gnomAD). Loss of BRCA2 function is a known mechanism of disease. Based on the available evidence, this variant is classified as Pathogenic.

Quest Diagnostics Nichols Institute San Juan Capistrano
Classification: Pathogenic. Last evaluated: 2024-10-11. Review status: criteria provided, single submitter. Criteria: Quest Diagnostics criteria. Collection method: clinical testing. Allele origin: unknown. Not counted in ClinVar's aggregate classification.
Comment: The BRCA2 c.5828del (p.Ser1943Leufs*20) variant alters the translational reading frame of the BRCA2 mRNA and causes the premature termination of BRCA2 protein synthesis. This variant has been reported in the published literature in individuals and families affected with breast/ovarian cancer (PMID: 18703817 (2008), 22430266 (2012), 25256924 (2014), 30322717 (2018)). It has also been reported in an individual affected with prostate cancer and colon polyps (PMID: 26681312 (2015)), as well as an individual affected with myeloma and acute lymphoblastic leukemia (ALL) (PMID: 33850299 (2021)). The frequency of this variant in the general population, 0.000008 (2/250822 chromosomes (Genome Aggregation Database)), is consistent with pathogenicity. Based on the available information, this variant is classified as pathogenic.

Baylor Genetics
Classification: Pathogenic for Familial cancer of breast. Last evaluated: 2024-03-20. Review status: criteria provided, single submitter. Criteria: ACMG Guidelines, 2015. Collection method: clinical testing. Allele origin: unknown. Not counted in ClinVar's aggregate classification.

Ambry Genetics
Classification: Pathogenic for Hereditary cancer-predisposing syndrome. Last evaluated: 2024-01-10. Review status: criteria provided, single submitter. Criteria: Ambry Variant Classification Scheme 2023. Collection method: clinical testing. Allele origin: germline. Not counted in ClinVar's aggregate classification.
Comment: The c.5828delC pathogenic mutation, located in coding exon 10 of the BRCA2 gene, results from a deletion of one nucleotide at position 5828, causing a translational frameshift with a predicted alternate stop codon (p.S1943Lfs*20). This alteration has been reported in multiple cohorts of breast and/or ovarian cancer patients (Palma MD et al. Cancer Res. 2008 Sep;68:7006-14; Finkelman BS et al. J. Clin. Oncol. 2012 Apr;30:1321-8; Carter NJ et al. Gynecol Oncol. 2018 12;151:481-488). This alteration was also identified in a patient with prostate cancer and colon polyps (Susswein LR et al. Genet. Med. 2016 08;18:823-32). Of note, this alteration is also designated as 6056delC in published literature. In addition to the clinical data presented in the literature, this alteration is expected to result in loss of function by premature protein truncation or nonsense-mediated mRNA decay. As such, this alteration is interpreted as a disease-causing mutation.

All of Us Research Program, National Institutes of Health
Classification: Pathogenic for Breast-ovarian cancer, familial, susceptibility to, 2. Last evaluated: 2023-07-11. Review status: criteria provided, single submitter. Criteria: ACMG Guidelines, 2015. Collection method: clinical testing. Allele origin: germline. Inheritance: Autosomal dominant inheritance. Observed: 1 variant allele, 1 heterozygote. Not counted in ClinVar's aggregate classification.
Comment: This variant deletes 1 nucleotide in exon 11 of the BRCA2 gene, creating a frameshift and premature translation stop signal. This variant is expected to result in an absent or non-functional protein product. To our knowledge, functional studies have not been performed for this variant. This variant has been reported in two individuals affected with breast cancer (PMID: 16912212, 18703817) and one individual affected with prostate cancer and colon polyps (PMID: 26681312). This variant has been identified in 2/250822 chromosomes in the general population by the Genome Aggregation Database (gnomAD). Loss of BRCA2 function is a known mechanism of disease. Based on the available evidence, this variant is classified as Pathogenic.

This study involves interpretation of variants in research participants for the purpose of population health screening. Participant phenotype was not available at the time of variant classification. Additional details can be found in publication PMID: 35346344, PMCID: PMC8962531

Revvity Omics, Revvity
Classification: Pathogenic. Last evaluated: 2022-09-09. Review status: criteria provided, single submitter. Criteria: ACMG Guidelines, 2015. Collection method: clinical testing. Allele origin: germline. Not counted in ClinVar's aggregate classification.

NM_000059.4(BRCA2):c.5828del (p.Ser1943fs)

Gene: BRCA2 (BRCA2 DNA repair associated; plus strand). Cytogenetic location: 13q13.1.
Variant type: Deletion.
Coding change: c.5828del on transcript NM_000059.4 (MANE Select); coding-DNA position 5828, one base deleted (C; older notation c.5828delC).
Protein change: p.Ser1943fs; shifts the reading frame from serine 1943.
Molecular consequence: frameshift variant.
Genome position (GRCh38, 1-based): chr13:32,340,183, C deleted. VCF-style (leftmost placement, unchanged base first): chr13-32340182-TC-T. GRCh37 (hg19) VCF-style: chr13-32914319-TC-T.
Other names: 6056delC; c.5828delC (NM_000059.3).
Identifiers: ClinVar variation 37999 (VCV000037999.42), dbSNP rs80359541, ClinGen allele CA023274.